The following is an entry in ClinVar:

NM_006206.6(PDGFRA):c.550G>T (p.Val184Leu)

Gene: PDGFRA (platelet derived growth factor receptor alpha; plus strand). Cytogenetic location: 4q12.
Variant type: single nucleotide variant.
Coding change: c.550G>T on transcript NM_006206.6 (MANE Select); coding-DNA position 550, G replaced by T.
Protein change: p.Val184Leu; replaces valine 184 with leucine.
Molecular consequence: missense variant.
Genome position (GRCh38, 1-based): chr4:54,263,849, G>T. VCF-style: chr4-54263849-G-T. GRCh37 (hg19) VCF-style: chr4-55130016-G-T.
Other names: c.550G>T, p.Val184Leu (NM_001347827.2, NM_001347829.2); c.625G>T, p.Val209Leu (NM_001347828.2); c.589G>T, p.Val197Leu (NM_001347830.2); short protein forms V184L, V209L, V197L.
Identifiers: ClinVar variation 577953 (VCV000577953.9), dbSNP rs1560469226, ClinGen allele CA356890067.
Genomic context (GRCh38, chr4:54,263,849, plus strand): 5'-AGTGAGGGGGTGGTACCTGCCTCCTACGACAGCAGACAGGGCTTTAATGGGACCTTCACT[G>T]TAGGGCCCTATATCTGTGAGGCCACCGTCAAAGGAAAGAAGTTCCAGACCATCCCATTTA-3'
Protein context (NP_006197.1, residues 174-194): SRQGFNGTFT[Val184Leu]GPYICEATVK

ClinVar aggregate classification (germline): Uncertain significance (1 of 4 stars; one submission).

Conditions:
Gastrointestinal stromal tumor. Also called: Gastrointestinal stromal tumor, somatic; Gastrointestinal stroma tumor. Identifiers: Orphanet 44890, MedGen C0238198, MeSH D046152, MONDO:0011719, OMIM 606764, HP:0100723.

Submission:

Labcorp Genetics (formerly Invitae), Labcorp
Classification: Uncertain significance for Gastrointestinal stromal tumor. Last evaluated: 2022-07-21. Review status: criteria provided, single submitter. Criteria: Invitae Variant Classification Sherloc (09022015). Collection method: clinical testing. Allele origin: germline.
Comment: In summary, the available evidence is currently insufficient to determine the role of this variant in disease. Therefore, it has been classified as a Variant of Uncertain Significance. Algorithms developed to predict the effect of missense changes on protein structure and function output the following: SIFT: "Tolerated"; PolyPhen-2: "Benign"; Align-GVGD: "Class C0". The leucine amino acid residue is found in multiple mammalian species, which suggests that this missense change does not adversely affect protein function. ClinVar contains an entry for this variant (Variation ID: 577953). This variant has not been reported in the literature in individuals affected with PDGFRA-related conditions. This variant is not present in population databases (gnomAD no frequency). This sequence change replaces valine, which is neutral and non-polar, with leucine, which is neutral and non-polar, at codon 184 of the PDGFRA protein (p.Val184Leu).